The following is an entry in ClinVar:

NM_001692.4(ATP6V1B1):c.1449G>T (p.Lys483Asn)

Gene: ATP6V1B1 (ATPase H+ transporting V1 subunit B1; plus strand). Cytogenetic location: 2p13.3.
Variant type: single nucleotide variant.
Coding change: c.1449G>T on transcript NM_001692.4 (MANE Select); coding-DNA position 1449, G replaced by T.
Protein change: p.Lys483Asn; replaces lysine 483 with asparagine.
Molecular consequence: missense variant.
Genome position (GRCh38, 1-based): chr2:70,965,028, G>T. VCF-style: chr2-70965028-G-T. GRCh37 (hg19) VCF-style: chr2-71192158-G-T.
Other names: short protein forms K483N.
Identifiers: ClinVar variation 1339452 (VCV001339452.3), dbSNP rs2104834809, ClinGen allele CA347189547.

ClinVar aggregate classification (germline): Likely pathogenic (1 of 4 stars; one submission).

Conditions:
Renal tubular acidosis with progressive nerve deafness. Also called: Distal Renal Tubular Acidosis with Progressive Sensorineural Deafness; renal tubular acidosis, distal, 2, with progressive sensorineural hearing loss; RENAL TUBULAR ACIDOSIS, AUTOSOMAL RECESSIVE, WITH PROGRESSIVE NERVE DEAFNESS; RTA WITH PROGRESSIVE NERVE DEAFNESS. Identifiers: MedGen C0403554, MONDO:0009968, OMIM 267300.

Submission:

Laboratory of Cyto-molecular Genetics, Department of Anatomy, All India Institute of Medical Sciences (AIIMS), New Delhi
Classification: Likely pathogenic for Renal tubular acidosis with progressive nerve deafness. Last evaluated: 2022-02-07. Review status: criteria provided, single submitter. Criteria: ACMG Guidelines, 2015. Collection method: clinical testing. Allele origin: germline. Affected: yes. Observed: 2 variant alleles.
Comment: p.(Lys483Asn); missense variant

Literature cited by the submitters: PubMed 35738466.